The following is an entry in ClinVar:

ClinVar aggregate classification (germline): Likely benign (1 of 4 stars; one submission).

Submission:

GeneDx
Classification: Likely benign. Last evaluated: 2015-11-06. Review status: criteria provided, single submitter. Criteria: GeneDx Variant Classification (06012015). Collection method: clinical testing. Allele origin: germline. Affected: yes.
Comment: This variant is considered likely benign or benign based on one or more of the following criteria: it is a conservative change, it occurs at a poorly conserved position in the protein, it is predicted to be benign by multiple in silico algorithms, and/or has population frequency not consistent with disease.

NM_006493.4(CLN5):c.565+20C>G

Gene: CLN5 (CLN5 intracellular trafficking protein; plus strand). Cytogenetic location: 13q22.3.
Variant type: single nucleotide variant.
Coding change: c.565+20C>G on transcript NM_006493.4 (MANE Select); 20 bases into the intron after coding-DNA position 565, C replaced by G.
Molecular consequence: intron variant.
Genome position (GRCh38, 1-based): chr13:76,996,147, C>G. VCF-style: chr13-76996147-C-G. GRCh37 (hg19) VCF-style: chr13-77570282-C-G.
Other names: c.565+20C>G (NM_001366624.2); c.712+20C>G (LRG_692t1).
Identifiers: ClinVar variation 381385 (VCV000381385.1), dbSNP rs780892019, ClinGen allele CA16606873.